The following is an entry in ClinVar:

NM_000110.4(DPYD):c.586G>A (p.Gly196Arg)

Gene: DPYD (dihydropyrimidine dehydrogenase; minus strand). Cytogenetic location: 1p21.3.
Variant type: single nucleotide variant.
Coding change: c.586G>A on transcript NM_000110.4 (MANE Select); coding-DNA position 586, G replaced by A.
Protein change: p.Gly196Arg; replaces glycine 196 with arginine.
Molecular consequence: missense variant.
Genome position (GRCh38, 1-based): chr1:97,699,445, C>T on the plus strand (G>A on the coding strand, the complement: DPYD is on the minus strand). VCF-style: chr1-97699445-C-T. GRCh37 (hg19) VCF-style: chr1-98165001-C-T.
Other names: short protein forms G196R.
Identifiers: ClinVar variation 5021002 (VCV005021002.1).

ClinVar aggregate classification (germline): Uncertain significance (1 of 4 stars; one submission).

gnomAD v4.1: 5 of 1,613,642 alleles (0.00031%); highest among the groups gnomAD compares: East Asian, 0.0045%; no homozygotes.

Submission:

Dasa
Classification: Uncertain significance. Last evaluated: 2025-02-11. Review status: criteria provided, single submitter. Criteria: DASA Assertion Criteria. Collection method: clinical testing. Allele origin: germline.
Comment: NM_000110.4(DPYD):c.586G>A (p.Gly196Arg) is a missense variant that results in the substitution of glycine with arginine. This variant has been observed in affected individuals with DPYD-related disorders. Also, this variant is rare in population databases. Computational prediction algorithms are consistent with a deleterious effect. The currently available literature and clinical evidence are not sufficient to establish a definitive association between this variant and the reported condition. Therefore, this variant is classified as a variant of uncertain significance.